The following is an entry in ClinVar:

NM_014639.4(SKIC3):c.3342C>T (p.Cys1114=)

Gene: SKIC3 (SKI3 subunit of superkiller complex; minus strand). Cytogenetic location: 5q15.
Variant type: single nucleotide variant.
Coding change: c.3342C>T on transcript NM_014639.4 (MANE Select); coding-DNA position 3342, C replaced by T.
Protein change: p.Cys1114=; no amino-acid change (cysteine 1114 retained).
Molecular consequence: synonymous variant.
Genome position (GRCh38, 1-based): chr5:95,498,591, G>A on the plus strand (C>T on the coding strand, the complement: SKIC3 is on the minus strand). VCF-style: chr5-95498591-G-A. GRCh37 (hg19) VCF-style: chr5-94834295-G-A.
Identifiers: ClinVar variation 2071075 (VCV002071075.4), dbSNP rs371614374, ClinGen allele CA3346742.

ClinVar aggregate classification (germline): Conflicting classifications of pathogenicity. Review status: criteria provided, conflicting classifications (1 of 4 stars). 2 submissions from 2 submitters: Uncertain significance (1); Likely benign (1). Last evaluated 2025-04-01.

Conditions:
Inborn genetic diseases. Identifiers: MedGen C0950123, MeSH D030342.

Allele frequency attached by ClinVar (database versions not stated): gnomAD exomes 0.00004; gnomAD 0.00001; TOPMed 0.00002; ExAC 0.00003; ESP Exome Variant Server 0.00008.
gnomAD v4.1: 55 of 1,612,038 alleles (0.0034%); highest among the groups gnomAD compares: Non-Finnish European, 0.0046%; no homozygotes.

Submissions (2):

Ambry Genetics
Classification: Likely benign for Inborn genetic diseases. Last evaluated: 2025-04-01. Review status: criteria provided, single submitter. Criteria: Ambry Variant Classification Scheme 2023. Collection method: clinical testing. Allele origin: germline.

Labcorp Genetics (formerly Invitae), Labcorp
Classification: Uncertain significance. Last evaluated: 2024-05-02. Review status: criteria provided, single submitter. Criteria: Invitae Variant Classification Sherloc (09022015). Collection method: clinical testing. Allele origin: germline.
Comment: This sequence change affects codon 1114 of the TTC37 mRNA. It is a 'silent' change, meaning that it does not change the encoded amino acid sequence of the TTC37 protein. It affects a nucleotide within the consensus splice site. This variant is present in population databases (rs371614374, gnomAD 0.005%). This variant has not been reported in the literature in individuals affected with TTC37-related conditions. ClinVar contains an entry for this variant (Variation ID: 2071075). Algorithms developed to predict the effect of sequence changes on RNA splicing suggest that this variant is not likely to affect RNA splicing. In summary, the available evidence is currently insufficient to determine the role of this variant in disease. Therefore, it has been classified as a Variant of Uncertain Significance.